The following is an entry in ClinVar:

NM_000116.5(TAFAZZIN):c.310T>C (p.Phe104Leu)

Gene: TAFAZZIN (tafazzin, phospholipid-lysophospholipid transacylase; plus strand). Cytogenetic location: Xq28.
Variant type: single nucleotide variant.
Coding change: c.310T>C on transcript NM_000116.5 (MANE Select); coding-DNA position 310, T replaced by C.
Protein change: p.Phe104Leu; replaces phenylalanine 104 with leucine.
Molecular consequence: missense variant. On other transcripts: non-coding transcript variant (1).
Genome position (GRCh38, 1-based): chrX:154,413,507, T>C. VCF-style: chrX-154413507-T-C. GRCh37 (hg19) VCF-style: chrX-153641844-T-C.
Other names: c.364T>C, p.Phe122Leu (NM_001303465.2); c.310T>C, p.Phe104Leu (NM_181311.4, NM_181312.4, NM_181313.4); short protein forms F104L, F122L.
Identifiers: ClinVar variation 42257 (VCV000042257.6), dbSNP rs397515741, ClinGen allele CA261284.

ClinVar aggregate classification (germline): Conflicting classifications of pathogenicity. Review status: criteria provided, conflicting classifications (1 of 4 stars). 2 submissions from 2 submitters: Pathogenic (1); Uncertain significance (1). Last evaluated 2023-11-06.

Conditions:
3-Methylglutaconic aciduria type 2 (BTHS). Also called: Barth syndrome; CARDIOSKELETAL MYOPATHY WITH NEUTROPENIA AND ABNORMAL MITOCHONDRIA. Identifiers: Orphanet 111, MedGen C0574083, MONDO:0010543, OMIM 302060.

Submissions (2):

GeneDx
Classification: Uncertain significance. Last evaluated: 2023-11-06. Review status: criteria provided, single submitter. Criteria: GeneDx Variant Classification Process June 2021. Collection method: clinical testing. Allele origin: germline. Affected: yes.
Comment: Not observed at significant frequency in large population cohorts (gnomAD); In silico analysis supports that this missense variant has a deleterious effect on protein structure/function; Has not been previously published as pathogenic or benign to our knowledge

Laboratory for Molecular Medicine, Mass General Brigham Personalized Medicine
Classification: Pathogenic for 3-Methylglutaconic aciduria type 2. Last evaluated: 2012-03-15. Review status: criteria provided, single submitter. Criteria: LMM Criteria. Collection method: clinical testing. Allele origin: germline. Observed: 1 variant allele.
Comment: Phenylalanine (Phe) is highly conserved across evolutionar ily distant species, increasing the likelihood that a change would not be tolera ted. Computational tools (PolyPhen2, SIFT) predict that a change to Leu would im pact the protein, though the accuracy of these tools is unknown. Another variant at the same position (Phe104Val) has been reported as occurring de novo in 1 in dividual with elevated MLCL levels (Tafazzin (TAZ) Gene Mutation Database) and y east constructs of this variant resulted in a significant accumulation of MLCLs (Claypool 2011). Collectively, this information supports that the Phe104Leu vari ant is highly likely to be pathogenic.

Literature cited by the submitters: PubMed 21300850 (cited by Laboratory for Molecular Medicine, Mass General Brigham Personalized Medicine).